The following is an entry in ClinVar:

ClinVar aggregate classification (germline): Uncertain significance (1 of 4 stars; one submission).

Submission:

GeneDx
Classification: Uncertain significance. Last evaluated: 2023-10-26. Review status: criteria provided, single submitter. Criteria: GeneDx Variant Classification Process June 2021. Collection method: clinical testing. Allele origin: germline. Affected: yes.
Comment: Not observed at significant frequency in large population cohorts (gnomAD); In silico analysis supports that this missense variant does not alter protein structure/function; Has not been previously published as pathogenic or benign to our knowledge

NM_020937.4(FANCM):c.31A>T (p.Thr11Ser)

Gene: FANCM (FA complementation group M; plus strand). Cytogenetic location: 14q21.2.
Variant type: single nucleotide variant.
Coding change: c.31A>T on transcript NM_020937.4 (MANE Select); coding-DNA position 31, A replaced by T.
Protein change: p.Thr11Ser; replaces threonine 11 with serine.
Molecular consequence: missense variant.
Genome position (GRCh38, 1-based): chr14:45,136,062, A>T. VCF-style: chr14-45136062-A-T. GRCh37 (hg19) VCF-style: chr14-45605265-A-T.
Other names: c.31A>T, p.Thr11Ser (NM_001308133.2, NM_001308134.2); short protein forms T11S.
Identifiers: ClinVar variation 3366183 (VCV003366183.1).